The following is an entry in ClinVar:

ClinVar aggregate classification (germline): Uncertain significance (1 of 4 stars; one submission).

Conditions:
Hereditary cancer-predisposing syndrome. Also called: Neoplastic Syndromes, Hereditary; Tumor predisposition; Hereditary Cancer Syndrome; Hereditary neoplastic syndrome. Identifiers: Orphanet 140162, MedGen C0027672, MeSH D009386, MONDO:0015356.

gnomAD v4.1: 1 of 1,614,144 alleles (0.000062%); highest among the groups gnomAD compares: Non-Finnish European, 0.000085%; no homozygotes.

Submission:

Ambry Genetics
Classification: Uncertain significance for Hereditary cancer-predisposing syndrome. Last evaluated: 2022-09-27. Review status: criteria provided, single submitter. Criteria: Ambry Variant Classification Scheme 2023. Collection method: clinical testing. Allele origin: germline.
Comment: The p.N1108I variant (also known as c.3323A>T), located in coding exon 15 of the APC gene, results from an A to T substitution at nucleotide position 3323. The asparagine at codon 1108 is replaced by isoleucine, an amino acid with dissimilar properties. This amino acid position is conserved. In addition, in silico predictors for this gene do not accurately predict pathogenicity. Since supporting evidence is limited at this time, the clinical significance of this alteration remains unclear.

NM_000038.6(APC):c.3323A>T (p.Asn1108Ile)

Gene: APC (APC regulator of Wnt signaling pathway; plus strand). Cytogenetic location: 5q22.2.
Variant type: single nucleotide variant.
Coding change: c.3323A>T on transcript NM_000038.6 (MANE Select); coding-DNA position 3323, A replaced by T.
Protein change: p.Asn1108Ile; replaces asparagine 1108 with isoleucine.
Molecular consequence: missense variant.
Genome position (GRCh38, 1-based): chr5:112,838,917, A>T. VCF-style: chr5-112838917-A-T. GRCh37 (hg19) VCF-style: chr5-112174614-A-T.
Other names: c.3323A>T, p.Asn1108Ile (NM_001127510.3, NM_001354895.2, NM_001407450.1); c.3269A>T, p.Asn1090Ile (NM_001127511.3); c.3377A>T, p.Asn1126Ile (NM_001354896.2, NM_001407447.1, NM_001407448.1 and 1 more transcripts); c.3353A>T, p.Asn1118Ile (NM_001354897.2); c.3248A>T, p.Asn1083Ile (NM_001354898.2); c.3239A>T, p.Asn1080Ile (NM_001354899.2); c.3200A>T, p.Asn1067Ile (NM_001354900.2); c.3146A>T, p.Asn1049Ile (NM_001354901.2, NM_001407453.1); and 11 more; short protein forms N1007I, N1080I, N1118I, N1126I, N825I, N948I, N1067I, N1098I.
Identifiers: ClinVar variation 1730223 (VCV001730223.2), dbSNP rs151286353, ClinGen allele CA16028622.